The following is an entry in ClinVar:

NM_006231.4(POLE):c.4990A>G (p.Ile1664Val)

Gene: POLE (DNA polymerase epsilon, catalytic subunit; minus strand). Cytogenetic location: 12q24.33.
Variant type: single nucleotide variant.
Coding change: c.4990A>G on transcript NM_006231.4 (MANE Select); coding-DNA position 4990, A replaced by G.
Protein change: p.Ile1664Val; replaces isoleucine 1664 with valine.
Molecular consequence: missense variant.
Genome position (GRCh38, 1-based): chr12:132,642,360, T>C on the plus strand (A>G on the coding strand, the complement: POLE is on the minus strand). VCF-style: chr12-132642360-T-C. GRCh37 (hg19) VCF-style: chr12-133218946-T-C.
Other names: short protein forms I1664V.
Identifiers: ClinVar variation 3225470 (VCV003225470.1), dbSNP rs2541884550, ClinGen allele CA387377510.
Genomic context (GRCh38, chr12:132,642,360, plus strand): 5'-GCAGGTGGTTGTGGCGCTGGAGGTGGCGGGCAAAGAAGAGGTCGGAGCCGAATGTGGAGA[T>C]GTCCTCTGGTAGGTTCCCAATGGGAATGTGAAAGTACCTGCACCAGGGCACAGGTCAGCA-3'
Protein context (NP_006222.2, residues 1654-1674): HIPIGNLPED[Ile1664Val]STFGSDLFFA

ClinVar aggregate classification (germline): Uncertain significance (1 of 4 stars; one submission).

Conditions:
Hereditary cancer-predisposing syndrome. Also called: Neoplastic Syndromes, Hereditary; Tumor predisposition; Hereditary neoplastic syndrome; Hereditary Cancer Syndrome. Identifiers: Orphanet 140162, MedGen C0027672, MeSH D009386, MONDO:0015356.

Submission:

Ambry Genetics
Classification: Uncertain significance for Hereditary cancer-predisposing syndrome. Last evaluated: 2024-02-22. Review status: criteria provided, single submitter. Criteria: Ambry Variant Classification Scheme 2023. Collection method: clinical testing. Allele origin: germline.
Comment: The p.I1664V variant (also known as c.4990A>G), located in coding exon 38 of the POLE gene, results from an A to G substitution at nucleotide position 4990. The isoleucine at codon 1664 is replaced by valine, an amino acid with highly similar properties. This amino acid position is conserved. In addition, this alteration is predicted to be tolerated by in silico analysis. Based on the available evidence, the clinical significance of this alteration remains unclear.